The following is an entry in ClinVar:

ClinVar aggregate classification (germline): Uncertain significance (1 of 4 stars; one submission).

Conditions:
Cardiovascular phenotype. Identifiers: MedGen CN230736.

Submission:

Ambry Genetics
Classification: Uncertain significance for Cardiovascular phenotype. Last evaluated: 2017-11-27. Review status: criteria provided, single submitter. Criteria: Ambry Variant Classification Scheme 2023. Collection method: clinical testing. Allele origin: germline.
Comment: The p.P59A variant (also known as c.175C>G), located in coding exon 1 of the KCNQ1 gene, results from a C to G substitution at nucleotide position 175. The proline at codon 59 is replaced by alanine, an amino acid with highly similar properties. This amino acid position is not well conserved in available vertebrate species. In addition, the in silico prediction for this alteration is inconclusive. Since supporting evidence is limited at this time, the clinical significance of this alteration remains unclear.

NM_000218.3(KCNQ1):c.175C>G (p.Pro59Ala)

Gene: KCNQ1 (potassium voltage-gated channel subfamily Q member 1; plus strand). Cytogenetic location: 11p15.5.
Variant type: single nucleotide variant.
Coding change: c.175C>G on transcript NM_000218.3 (MANE Select); coding-DNA position 175, C replaced by G.
Protein change: p.Pro59Ala; replaces proline 59 with alanine.
Molecular consequence: missense variant.
Genome position (GRCh38, 1-based): chr11:2,445,273, C>G. VCF-style: chr11-2445273-C-G. GRCh37 (hg19) VCF-style: chr11-2466503-C-G.
Other names: short protein forms P59A.
Identifiers: ClinVar variation 518877 (VCV000518877.5), dbSNP rs1554958059, ClinGen allele CA379116488.